The following is an entry in ClinVar:

ClinVar aggregate classification (germline): Uncertain significance (1 of 4 stars; one submission).

Conditions:
Hyper-IgE recurrent infection syndrome 1, autosomal dominant. Also called: JOB SYNDROME; Job's Syndrome; STAT3 Hyper IgE Syndrome; HYPER-IgE SYNDROME 1, AUTOSOMAL DOMINANT, WITH RECURRENT INFECTIONS; Hyper-IgE recurrent infection syndrome 1. Identifiers: Orphanet 2314, MedGen C2936739, MONDO:0007818, OMIM 147060.
STAT3 gain of function. Identifiers: MedGen C4288261.

Submission:

Labcorp Genetics (formerly Invitae), Labcorp
Classification: Uncertain significance for STAT3 gain of function; Hyper-IgE recurrent infection syndrome 1, autosomal dominant. Last evaluated: 2025-09-15. Review status: criteria provided, single submitter. Criteria: Invitae Variant Classification Sherloc (09022015). Collection method: clinical testing. Allele origin: germline.
Comment: This sequence change replaces proline, which is neutral and non-polar, with alanine, which is neutral and non-polar, at codon 487 of the STAT3 protein (p.Pro487Ala). This variant is not present in population databases (gnomAD no frequency). This variant has not been reported in the literature in individuals affected with STAT3-related conditions. Invitae Evidence Modeling of protein sequence and biophysical properties (such as structural, functional, and spatial information, amino acid conservation, physicochemical variation, residue mobility, and thermodynamic stability) indicates that this missense variant is not expected to disrupt STAT3 protein function with a negative predictive value of 80%. In summary, the available evidence is currently insufficient to determine the role of this variant in disease. Therefore, it has been classified as a Variant of Uncertain Significance.

NM_139276.3(STAT3):c.1459C>G (p.Pro487Ala)

Gene: STAT3 (signal transducer and activator of transcription 3; minus strand). Cytogenetic location: 17q21.2.
Variant type: single nucleotide variant.
Coding change: c.1459C>G on transcript NM_139276.3 (MANE Select); coding-DNA position 1459, C replaced by G.
Protein change: p.Pro487Ala; replaces proline 487 with alanine.
Molecular consequence: missense variant.
Genome position (GRCh38, 1-based): chr17:42,324,968, G>C on the plus strand (C>G on the coding strand, the complement: STAT3 is on the minus strand). VCF-style: chr17-42324968-G-C. GRCh37 (hg19) VCF-style: chr17-40476986-G-C.
Other names: c.1363C>G, p.Pro455Ala (NM_001384989.1); c.1474C>G, p.Pro492Ala (NM_001384990.1, NM_001384986.1); c.1459C>G, p.Pro487Ala (NM_001384991.1, NM_001384993.1, NM_003150.4 and 11 more transcripts); c.1399C>G, p.Pro467Ala (NM_001384992.1); c.1375C>G, p.Pro459Ala (NM_001384984.1); c.1381C>G, p.Pro461Ala (NM_001384985.1); short protein forms P459A, P461A, P455A, P492A, P467A, P487A.
Identifiers: ClinVar variation 4791950 (VCV004791950.1).